The following is an entry in ClinVar:

ClinVar aggregate classification (germline): Uncertain significance (1 of 4 stars; one submission).

Conditions:
Schimke immuno-osseous dysplasia (SIOD). Also called: Schimke Immunoosseous Dysplasia. Identifiers: Orphanet 1830, MedGen C0877024, MONDO:0009458, OMIM 242900.

Allele frequency attached by ClinVar (database versions not stated): ExAC 0.00002.
gnomAD v4.1: 36 of 1,614,246 alleles (0.0022%); highest among the groups gnomAD compares: Non-Finnish European, 0.0031%; no homozygotes.

Submission:

Labcorp Genetics (formerly Invitae), Labcorp
Classification: Uncertain significance for Schimke immuno-osseous dysplasia. Last evaluated: 2024-10-25. Review status: criteria provided, single submitter. Criteria: Invitae Variant Classification Sherloc (09022015). Collection method: clinical testing. Allele origin: germline.
Comment: This sequence change replaces glutamic acid, which is acidic and polar, with aspartic acid, which is acidic and polar, at codon 478 of the SMARCAL1 protein (p.Glu478Asp). This variant is present in population databases (rs764951616, gnomAD 0.002%). This variant has not been reported in the literature in individuals affected with SMARCAL1-related conditions. ClinVar contains an entry for this variant (Variation ID: 1947940). Invitae Evidence Modeling of protein sequence and biophysical properties (such as structural, functional, and spatial information, amino acid conservation, physicochemical variation, residue mobility, and thermodynamic stability) indicates that this missense variant is not expected to disrupt SMARCAL1 protein function with a negative predictive value of 80%. In summary, the available evidence is currently insufficient to determine the role of this variant in disease. Therefore, it has been classified as a Variant of Uncertain Significance.

NM_014140.4(SMARCAL1):c.1434G>T (p.Glu478Asp)

Gene: SMARCAL1 (SNF2 related chromatin remodeling annealing helicase 1; plus strand). Cytogenetic location: 2q35.
Variant type: single nucleotide variant.
Coding change: c.1434G>T on transcript NM_014140.4 (MANE Select); coding-DNA position 1434, G replaced by T.
Protein change: p.Glu478Asp; replaces glutamic acid 478 with aspartic acid.
Molecular consequence: missense variant.
Genome position (GRCh38, 1-based): chr2:216,432,817, G>T. VCF-style: chr2-216432817-G-T. GRCh37 (hg19) VCF-style: chr2-217297540-G-T.
Other names: c.1434G>T, p.Glu478Asp (NM_001127207.2); short protein forms E478D.
Identifiers: ClinVar variation 1947940 (VCV001947940.4), dbSNP rs764951616, ClinGen allele CA2097880.
Genomic context (GRCh38, chr2:216,432,817, plus strand): 5'-CGACATGGGCCTGGGGAAGACCATCCAAGCCATCTGCATCGCAGCCTTTTACCGGAAGGA[G>T]TGGCCGCTCCTGGTGGTGGTGCCATCCTCCGTGCGCTTCACCTGGGAGCAGGTTAATGGT-3'
Protein context (NP_054859.2, residues 468-488): AICIAAFYRK[Glu478Asp]WPLLVVVPSS